The following is an entry in ClinVar:

ClinVar aggregate classification (germline): Likely pathogenic (1 of 4 stars; one submission).

Conditions:
Sulfate transporter-related osteochondrodysplasia. Also called: DTDST-related dysplasias. Identifiers: MedGen CN120497. Disease mechanism: loss of function.

Submission:

Women's Health and Genetics/Laboratory Corporation of America, LabCorp
Classification: Likely pathogenic for Osteochondrodysplasia. Last evaluated: 2020-08-28. Review status: criteria provided, single submitter. Criteria: LabCorp Variant Classification Summary - May 2015. Collection method: clinical testing. Allele origin: germline.
Comment: Variant summary: SLC26A2 c.2069_2070delTG (p.Val690GlufsX21) results in a premature termination codon, predicted to cause a truncation of the encoded protein or absence of the protein due to nonsense mediated decay, which are commonly known mechanisms for disease. Truncations downstream of this position have been reported by other clinical diagnostic laboratories (ClinVar database). The variant was absent in 250630 control chromosomes. To our knowledge, no occurrence of c.2069_2070delTG in individuals affected with Sulfate Transporter-Related Osteochondrodysplasia and no experimental evidence demonstrating its impact on protein function have been reported. No clinical diagnostic laboratories have submitted clinical-significance assessments for this variant to ClinVar after 2014. Based on the evidence outlined above, the variant was classified as likely pathogenic.

NM_000112.4(SLC26A2):c.2069_2070del (p.Val690fs)

Gene: SLC26A2 (solute carrier family 26 member 2; plus strand). Cytogenetic location: 5q32.
Variant type: Microsatellite.
Coding change: c.2069_2070del on transcript NM_000112.4 (MANE Select); coding-DNA positions 2069 to 2070, 2 bases deleted (TG; older notation c.2069_2070delTG).
Protein change: p.Val690fs; shifts the reading frame from valine 690.
Molecular consequence: frameshift variant.
Genome position (GRCh38, 1-based): chr5:149,981,662-149,981,663, TG deleted; deleting any 2 consecutive bases within chr5:149,981,660-149,981,663 gives the same sequence; the c. name uses the placement nearest the transcript's 3' end. VCF-style (leftmost placement, unchanged base first): chr5-149981659-CTG-C. GRCh37 (hg19) VCF-style: chr5-149361222-CTG-C.
Other names: short protein forms V690fs.
Identifiers: ClinVar variation 977711 (VCV000977711.1), dbSNP rs1755106202, ClinGen allele CA1590738885.